The following is an entry in ClinVar:

ClinVar aggregate classification (germline): Conflicting classifications of pathogenicity. Review status: criteria provided, conflicting classifications (1 of 4 stars). 6 submissions from 6 submitters: Uncertain significance (4); Likely benign (2). Last evaluated 2026-09-01.

Conditions:
Familial hypercholesterolemia. Also called: Familial hypercholesterolemias; Familial hypercholesterolaemia. Identifiers: MedGen C0020445, MONDO:0005439.
Cardiovascular phenotype. Identifiers: MedGen CN230736.
Hypercholesterolemia, autosomal dominant, 3 (FHCL3). Also called: Familial Hypercholesterolemia, Autosomal Dominant, 3; Familial hypercholesterolemia 3; PCSK9-Related Familial Hypercholesterolemia, Autosomal Dominant. Identifiers: MedGen C1863551, MONDO:0011369, OMIM 603776.

gnomAD v4.1: 7 of 1,551,930 alleles (0.00045%); highest among the groups gnomAD compares: Admixed American, 0.014%; no homozygotes.

Submissions (6):

CeGaT Center for Human Genetics Tuebingen
Classification: Likely benign. Last evaluated: 2026-09-01. Review status: criteria provided, single submitter. Criteria: CeGaT Center For Human Genetics Tuebingen Variant Classification Criteria Version 2. Collection method: clinical testing. Allele origin: germline. Affected: yes. Observed: 1 variant allele.
Comment: PCSK9: BP4

Labcorp Genetics (formerly Invitae), Labcorp
Classification: Uncertain significance for Hypercholesterolemia, autosomal dominant, 3. Last evaluated: 2026-01-25. Review status: criteria provided, single submitter. Criteria: Invitae Variant Classification Sherloc (09022015). Collection method: clinical testing. Allele origin: germline.
Comment: This sequence change replaces glycine, which is neutral and non-polar, with glutamic acid, which is acidic and polar, at codon 547 of the PCSK9 protein (p.Gly547Glu). This variant is present in population databases (rs769522231, gnomAD 0.03%). This variant has not been reported in the literature in individuals affected with PCSK9-related conditions. ClinVar contains an entry for this variant (Variation ID: 3415996). Invitae Evidence Modeling of protein sequence and biophysical properties (such as structural, functional, and spatial information, amino acid conservation, physicochemical variation, residue mobility, and thermodynamic stability) indicates that this missense variant is not expected to disrupt PCSK9 protein function with a negative predictive value of 80%. In summary, the available evidence is currently insufficient to determine the role of this variant in disease. Therefore, it has been classified as a Variant of Uncertain Significance.

Women's Health and Genetics/Laboratory Corporation of America, LabCorp
Classification: Uncertain significance. Last evaluated: 2025-04-15. Review status: criteria provided, single submitter. Criteria: LabCorp Variant Classification Summary - May 2015. Collection method: clinical testing. Allele origin: germline.
Comment: Variant summary: PCSK9 c.1640G>A (p.Gly547Glu) results in a non-conservative amino acid change in the encoded protein sequence. Three of four in-silico tools predict a benign effect of the variant on protein function. The variant allele was found at a frequency of 3.8e-05 in 157474 control chromosomes (gnomAD). The available data on variant occurrences in the general population are insufficient to allow any conclusion about variant significance. To our knowledge, no occurrence of c.1640G>A in individuals affected with Familial Hypercholesterolemia and no experimental evidence demonstrating its impact on protein function have been reported. ClinVar contains an entry for this variant (Variation ID: 3415996). Based on the evidence outlined above, the variant was classified as uncertain significance.

Ambry Genetics
Classification: Likely benign for Cardiovascular phenotype. Last evaluated: 2025-03-18. Review status: criteria provided, single submitter. Criteria: Ambry Variant Classification Scheme 2023. Collection method: clinical testing. Allele origin: germline.

Color Diagnostics, LLC DBA Color Health
Classification: Uncertain significance for Familial hypercholesterolemia. Last evaluated: 2024-04-24. Review status: criteria provided, single submitter. Criteria: ACMG Guidelines, 2015. Collection method: clinical testing. Allele origin: germline.
Comment: This missense variant replaces glycine with glutamic acid at codon 547 of the PCSK9 protein. Computational prediction suggests that this variant may not impact protein structure and function. To our knowledge, functional studies have not been reported for this variant. This variant has not been reported in individuals affected with PCSK9-related disorders in the literature. This variant has been identified in 6/157474 chromosomes in the general population by the Genome Aggregation Database (gnomAD). The available evidence is insufficient to determine the role of this variant in disease conclusively. Therefore, this variant is classified as a Variant of Uncertain Significance.

Quest Diagnostics Nichols Institute San Juan Capistrano
Classification: Uncertain significance. Last evaluated: 2024-02-01. Review status: criteria provided, single submitter. Criteria: Quest Diagnostics criteria. Collection method: clinical testing. Allele origin: unknown.
Comment: The PCSK9 c.1640G>A (p.Gly547Glu) variant has not been reported in individuals with PCSK9-related conditions in the published literature. The frequency of this variant in the general population, 0.00024 (6/24794 chromosomes in Admixed American subpopulation (Genome Aggregation Database)), is higher than would generally be expected for pathogenic variants in this gene. Analysis of this variant using bioinformatics tools for the prediction of the effect of amino acid changes on protein structure and function yielded predictions that this variant is benign. Based on the available information, we are unable to determine the clinical significance of this variant.

NM_174936.4(PCSK9):c.1640G>A (p.Gly547Glu)

Gene: PCSK9 (proprotein convertase subtilisin/kexin type 9; plus strand). Cytogenetic location: 1p32.3.
Variant type: single nucleotide variant.
Coding change: c.1640G>A on transcript NM_174936.4 (MANE Select); coding-DNA position 1640, G replaced by A.
Protein change: p.Gly547Glu; replaces glycine 547 with glutamic acid.
Molecular consequence: missense variant. On other transcripts: non-coding transcript variant (7), intron variant (1).
Genome position (GRCh38, 1-based): chr1:55,059,622, G>A. VCF-style: chr1-55059622-G-A. GRCh37 (hg19) VCF-style: chr1-55525295-G-A.
Other names: c.1763G>A, p.Gly588Glu (NM_001407240.1); c.1682G>A, p.Gly561Glu (NM_001407241.1); c.1643G>A, p.Gly548Glu (NM_001407242.1); c.1583G>A, p.Gly528Glu (NM_001407243.1); c.1466G>A, p.Gly489Glu (NM_001407244.1); c.1448G>A, p.Gly483Glu (NM_001407245.1); c.1265G>A, p.Gly422Glu (NM_001407246.1); c.1181-1753G>A (NM_001407247.1); short protein forms G422E, G528E, G547E, G588E, G483E, G561E, G489E, G548E.
Identifiers: ClinVar variation 3415996 (VCV003415996.8).